The following is an entry in ClinVar:

NM_000298.6(PKLR):c.941T>C (p.Ile314Thr)

Gene: PKLR (pyruvate kinase L/R; minus strand). Cytogenetic location: 1q22.
Variant type: single nucleotide variant.
Coding change: c.941T>C on transcript NM_000298.6 (MANE Select); coding-DNA position 941, T replaced by C.
Protein change: p.Ile314Thr; replaces isoleucine 314 with threonine.
Molecular consequence: missense variant.
Genome position (GRCh38, 1-based): chr1:155,294,506, A>G on the plus strand (T>C on the coding strand, the complement: PKLR is on the minus strand). VCF-style: chr1-155294506-A-G. GRCh37 (hg19) VCF-style: chr1-155264297-A-G.
Other names: c.848T>C, p.Ile283Thr (NM_181871.4); short protein forms I283T, I314T.
Identifiers: ClinVar variation 4077430 (VCV004077430.4).
Genomic context (GRCh38, chr1:155,294,506, plus strand): 5'-CGACAGGGCCGAAGGGGAACAGAGCCCAAGCCTCACCTCTTCACGCCTTCGTGGTTCTCA[A>G]TTTTGCTGATGATCTTGATGCCGTGTCCTTCCGGACCCAGAGCAGCCCTGACGGCAGCCA-3'
Protein context (NP_000289.1, residues 304-324): EGHGIKIISK[Ile314Thr]ENHEGVKRFD

ClinVar aggregate classification (germline): Pathogenic/Likely pathogenic. Review status: criteria provided, multiple submitters, no conflicts (2 of 4 stars). 3 submissions from 3 submitters: Pathogenic (1); Likely pathogenic (2). Last evaluated 2024-06-14.

Conditions:
Pyruvate kinase deficiency of red cells (CNSHA2). Also called: PK DEFICIENCY; PYRUVATE KINASE DEFICIENCY OF ERYTHROCYTE; Pyruvate kinase deficiency, Amish type. Identifiers: Orphanet 766, MedGen C0340968, MONDO:0009950, OMIM 266200.
PKLR-related disorder. Also called: PKLR-related condition.

gnomAD v4.1: 5 of 1,614,112 alleles (0.00031%); highest among the groups gnomAD compares: East Asian, 0.0067%; no homozygotes.

Submissions (3):

Revvity Omics, Revvity
Classification: Likely pathogenic. Last evaluated: 2024-06-14. Review status: criteria provided, single submitter. Criteria: ACMG Guidelines, 2015. Collection method: clinical testing. Allele origin: germline.

Blueprint Genetics
Classification: Likely pathogenic for PKLR-related disorders. Last evaluated: 2019-10-10. Review status: criteria provided, single submitter. Criteria: ACMG Guidelines, 2015. Collection method: clinical testing. Allele origin: germline. Affected: yes. Observed: 1 variant allele.

Juno Genomics, Hangzhou Juno Genomics, Inc
Classification: Pathogenic for Pyruvate kinase deficiency of red cells. Review status: criteria provided, single submitter. Criteria: ACMG Guidelines, 2015. Collection method: clinical testing. Allele origin: germline.
Comment: Absent from controls (or at extremely low frequency if recessive) in Genome Aggregation Database.;Multiple lines of computational evidence support a deleterious effect on the gene or gene product.;For recessive disorders, detected in trans with a pathogenic variant.